The following is an entry in ClinVar:

ClinVar aggregate classification (germline): Uncertain significance. Review status: criteria provided, multiple submitters, no conflicts (2 of 4 stars). 2 submissions from 2 submitters: Uncertain significance (2). Last evaluated 2022-06-27.

Conditions:
Charcot-Marie-Tooth disease axonal type 2S. Also called: CHARCOT-MARIE-TOOTH NEUROPATHY, TYPE 2S; CHARCOT-MARIE-TOOTH DISEASE, AXONAL, AUTOSOMAL RECESSIVE, TYPE 2S. Identifiers: Orphanet 443073, MedGen C4015349, MONDO:0014511, OMIM 616155.
Autosomal recessive distal spinal muscular atrophy 1. Also called: HMN VI; NEURONOPATHY, SEVERE INFANTILE AXONAL, WITH RESPIRATORY FAILURE; SEVERE INFANTILE AXONAL NEUROPATHY WITH RESPIRATORY FAILURE; SPINAL MUSCULAR ATROPHY, DIAPHRAGMATIC; Spinal muscular atrophy with respiratory distress 1; NEURONOPATHY, DISTAL HEREDITARY MOTOR, HARDING TYPE VI. Identifiers: Orphanet 98920, MedGen C1858517, MONDO:0011436, OMIM 604320.

Allele frequency attached by ClinVar (database versions not stated): TOPMed below 0.00001; gnomAD 0.00001.
gnomAD v4.1: 2 of 1,612,616 alleles (0.00012%); highest among the groups gnomAD compares: Non-Finnish European, 0.000085%; no homozygotes.

Submissions (2):

Labcorp Genetics (formerly Invitae), Labcorp
Classification: Uncertain significance for Autosomal recessive distal spinal muscular atrophy 1; Charcot-Marie-Tooth disease axonal type 2S. Last evaluated: 2022-06-27. Review status: criteria provided, single submitter. Criteria: Invitae Variant Classification Sherloc (09022015). Collection method: clinical testing. Allele origin: germline.
Comment: In summary, the available evidence is currently insufficient to determine the role of this variant in disease. Therefore, it has been classified as a Variant of Uncertain Significance. Algorithms developed to predict the effect of sequence changes on RNA splicing suggest that this variant may create or strengthen a splice site. Algorithms developed to predict the effect of missense changes on protein structure and function are either unavailable or do not agree on the potential impact of this missense change (SIFT: "Tolerated"; PolyPhen-2: "Probably Damaging"; Align-GVGD: "Class C0"). ClinVar contains an entry for this variant (Variation ID: 534921). This variant has not been reported in the literature in individuals affected with IGHMBP2-related conditions. This variant is not present in population databases (gnomAD no frequency). This sequence change replaces threonine, which is neutral and polar, with arginine, which is basic and polar, at codon 481 of the IGHMBP2 protein (p.Thr481Arg).

GeneDx
Classification: Uncertain significance. Last evaluated: 2020-12-04. Review status: criteria provided, single submitter. Criteria: GeneDx Variant Classification Process June 2021. Collection method: clinical testing. Allele origin: germline. Affected: yes.
Comment: Not observed in large population cohorts (Lek et al., 2016); In silico analysis supports that this missense variant has a deleterious effect on protein structure/function; Has not been previously published as pathogenic or benign to our knowledge

NM_002180.3(IGHMBP2):c.1442C>G (p.Thr481Arg)

Gene: IGHMBP2 (immunoglobulin mu DNA binding protein 2; plus strand). Cytogenetic location: 11q13.3.
Variant type: single nucleotide variant.
Coding change: c.1442C>G on transcript NM_002180.3 (MANE Select); coding-DNA position 1442, C replaced by G.
Protein change: p.Thr481Arg; replaces threonine 481 with arginine.
Molecular consequence: missense variant.
Genome position (GRCh38, 1-based): chr11:68,933,818, C>G. VCF-style: chr11-68933818-C-G. GRCh37 (hg19) VCF-style: chr11-68701286-C-G.
Other names: short protein forms T481R.
Identifiers: ClinVar variation 534921 (VCV000534921.11), dbSNP rs1555247334, ClinGen allele CA381649728.